The following is an entry in ClinVar:

ClinVar aggregate classification (germline): Pathogenic (1 of 4 stars; one submission).

Conditions:
Primary ciliary dyskinesia. Also called: Ciliary dyskinesia. Identifiers: Orphanet 244, MedGen C0008780, MONDO:0016575, HP:0012265.

Allele frequency attached by ClinVar (database versions not stated): gnomAD exomes below 0.00001.
gnomAD v4.1: 1 of 1,614,062 alleles (0.000062%); highest among the groups gnomAD compares: Non-Finnish European, 0.000085%; no homozygotes.

Submission:

Labcorp Genetics (formerly Invitae), Labcorp
Classification: Pathogenic for Primary ciliary dyskinesia. Last evaluated: 2023-01-24. Review status: criteria provided, single submitter. Criteria: Invitae Variant Classification Sherloc (09022015). Collection method: clinical testing. Allele origin: germline.
Comment: This variant has not been reported in the literature in individuals affected with DNAH5-related conditions. For these reasons, this variant has been classified as Pathogenic. Algorithms developed to predict the effect of sequence changes on RNA splicing suggest that this variant may create or strengthen a splice site. This variant is not present in population databases (gnomAD no frequency). This sequence change creates a premature translational stop signal (p.Ser3177*) in the DNAH5 gene. It is expected to result in an absent or disrupted protein product. Loss-of-function variants in DNAH5 are known to be pathogenic (PMID: 11788826, 16627867).

Literature cited by the submitters: PubMed 11788826; PubMed 16627867.

NM_001369.3(DNAH5):c.9530C>A (p.Ser3177Ter)

Gene: DNAH5 (dynein axonemal heavy chain 5; minus strand). Cytogenetic location: 5p15.2.
Variant type: single nucleotide variant.
Coding change: c.9530C>A on transcript NM_001369.3 (MANE Select); coding-DNA position 9530, C replaced by A.
Protein change: p.Ser3177Ter; replaces serine 3177 with a stop codon.
Molecular consequence: nonsense.
Genome position (GRCh38, 1-based): chr5:13,770,824, G>T on the plus strand (C>A on the coding strand, the complement: DNAH5 is on the minus strand). VCF-style: chr5-13770824-G-T. GRCh37 (hg19) VCF-style: chr5-13770933-G-T.
Other names: short protein forms S3177*.
Identifiers: ClinVar variation 2810799 (VCV002810799.3), dbSNP rs2546663053, ClinGen allele CA359204487.